The following is an entry in ClinVar:

NM_020989.4(CRYGC):c.423dup (p.Arg142fs)

Genes: CRYGC (crystallin gamma C; minus strand), LOC100507443 (uncharacterized LOC100507443; plus strand). Cytogenetic location: 2q33.3.
Variant type: Duplication.
Coding change: c.423dup on transcript NM_020989.4 (MANE Select); coding-DNA position 423, one base duplicated (G; older notation c.423dupG).
Protein change: p.Arg142fs; shifts the reading frame from arginine 142.
Molecular consequence: frameshift variant.
Genome position (GRCh38, 1-based): chr2:208,128,305, C duplicated on the plus strand (G on the coding strand, the reverse complement: CRYGC is on the minus strand); the first of 5 consecutive C bases (chr2:208,128,305-208,128,309); duplicating any one gives the same sequence. VCF-style (leftmost placement, unchanged base first): chr2-208128304-G-GC. GRCh37 (hg19) VCF-style: chr2-208993028-G-GC.
Other names: c.423dupG (NM_020989.3); short protein forms R142fs.
Identifiers: ClinVar variation 534186 (VCV000534186.11), dbSNP rs1553585262, ClinGen allele CA645372110.

ClinVar aggregate classification (germline): Pathogenic (1 of 4 stars; one submission).

Conditions:
Nuclear pulverulent cataract (CTRCT2). Identifiers: MedGen C1852438, HP:0010698.

Submission:

Labcorp Genetics (formerly Invitae), Labcorp
Classification: Pathogenic for Nuclear pulverulent cataract. Last evaluated: 2019-03-19. Review status: criteria provided, single submitter. Criteria: Invitae Variant Classification Sherloc (09022015). Collection method: clinical testing. Allele origin: germline.
Comment: This sequence change results in a premature translational stop signal in the CRYGC gene (p.Arg142Alafs*22). While this is not anticipated to result in nonsense mediated decay, it is expected to disrupt the last 33 amino acids of the CRYGC protein. This variant is not present in population databases (ExAC no frequency). For these reasons, this variant has been classified as Pathogenic. This variant disrupts the C-terminus of the CRYGC protein. Other variant(s) that disrupt this region (p.Trp157*) have been determined to be pathogenic (PMID: 19204787, 22876111). This suggests that variants that disrupt this region of the protein are likely to be causative of disease. This variant has been observed in a family affected with congenital cataract (PMID: 28298635).

Literature cited by the submitters: PubMed 19204787; PubMed 22876111; PubMed 28298635.